The following is an entry in ClinVar:

ClinVar aggregate classification (germline): Uncertain significance (1 of 4 stars; one submission).

Conditions:
Aortic aneurysm, familial thoracic 4 (AAT4). Also called: AORTIC ANEURYSM/AORTIC DISSECTION AND PATENT DUCTUS ARTERIOSUS. Identifiers: MedGen C1851504, MONDO:0007568, OMIM 132900.

Submission:

3billion
Classification: Uncertain significance for Aortic aneurysm, familial thoracic 4. Last evaluated: 2022-05-22. Review status: criteria provided, single submitter. Criteria: ACMG Guidelines, 2015. Collection method: clinical testing. Allele origin: germline. Affected: yes. Observed: 1 heterozygote.
Comment: The variant is not observed in the gnomAD v2.1.1 dataset. In silico tool predictions suggest no damaging effect of the variant on gene or gene product (REVEL: 0.15; 3Cnet: 0.02). Therefore, this variant is classified as uncertain significanceaccording to the recommendation of ACMG/AMP guideline.

NM_002474.3(MYH11):c.3190G>A (p.Ala1064Thr)

Gene: MYH11 (myosin heavy chain 11; minus strand). Cytogenetic location: 16p13.11.
Variant type: single nucleotide variant.
Coding change: c.3190G>A on transcript NM_002474.3 (MANE Select); coding-DNA position 3190, G replaced by A.
Protein change: p.Ala1064Thr; replaces alanine 1064 with threonine.
Molecular consequence: missense variant.
Genome position (GRCh38, 1-based): chr16:15,737,552, C>T on the plus strand (G>A on the coding strand, the complement: MYH11 is on the minus strand). VCF-style: chr16-15737552-C-T. GRCh37 (hg19) VCF-style: chr16-15831409-C-T.
Other names: c.3211G>A, p.Ala1071Thr (NM_001040113.2, NM_001040114.2); c.3190G>A, p.Ala1064Thr (NM_022844.3); short protein forms A1064T, A1071T.
Identifiers: ClinVar variation 1687322 (VCV001687322.1), dbSNP rs2151244209, ClinGen allele CA394863134.